The following is an entry in ClinVar:

NM_004006.3(DMD):c.9564-3T>A

Gene: DMD (dystrophin; minus strand). Cytogenetic location: Xp21.2.
Variant type: single nucleotide variant.
Coding change: c.9564-3T>A on transcript NM_004006.3 (MANE Select); 3 bases into the intron before coding-DNA position 9564, T replaced by A.
Molecular consequence: intron variant.
Genome position (GRCh38, 1-based): chrX:31,206,670, A>T on the plus strand (T>A on the coding strand, the complement: DMD is on the minus strand). VCF-style: chrX-31206670-A-T. GRCh37 (hg19) VCF-style: chrX-31224787-A-T.
Other names: c.9540-3T>A (NM_000109.4); c.5541-3T>A (NM_004011.4); c.5532-3T>A (NM_004012.4); c.2184-3T>A (NM_004023.3, NM_004020.4, NM_004022.3 and 2 more transcripts); c.1377-3T>A (NM_004014.3); c.360-3T>A (NM_004018.3, NM_004017.3, NM_004016.3 and 2 more transcripts); c.9552-3T>A (NM_004009.3); c.9195-3T>A (NM_004010.3).
Identifiers: ClinVar variation 2710006 (VCV002710006.3), dbSNP rs1556257538, ClinGen allele CA2697552922.

ClinVar aggregate classification (germline): Uncertain significance (1 of 4 stars; one submission).

Conditions:
Duchenne muscular dystrophy (DMD). Also called: MUSCULAR DYSTROPHY, PSEUDOHYPERTROPHIC PROGRESSIVE, DUCHENNE TYPE; Duchenne Muscular Dystrophy (DMD). Identifiers: Orphanet 98896, MedGen C0013264, MONDO:0010679, OMIM 310200.

Submission:

Labcorp Genetics (formerly Invitae), Labcorp
Classification: Uncertain significance for Duchenne muscular dystrophy. Last evaluated: 2024-01-28. Review status: criteria provided, single submitter. Criteria: Invitae Variant Classification Sherloc (09022015). Collection method: clinical testing. Allele origin: germline.
Comment: This sequence change falls in intron 65 of the DMD gene. It does not directly change the encoded amino acid sequence of the DMD protein. It affects a nucleotide within the consensus splice site. This variant is not present in population databases (gnomAD no frequency). This variant has not been reported in the literature in individuals affected with DMD-related conditions. Experimental studies and prediction algorithms are not available or were not evaluated, and the functional significance of this variant is currently unknown. Variants that disrupt the consensus splice site are a relatively common cause of aberrant splicing (PMID: 17576681, 9536098). Algorithms developed to predict the effect of sequence changes on RNA splicing suggest that this variant may disrupt the consensus splice site. In summary, the available evidence is currently insufficient to determine the role of this variant in disease. Therefore, it has been classified as a Variant of Uncertain Significance.

Literature cited by the submitters: PubMed 17576681; PubMed 9536098.